The following is an entry in ClinVar:

NM_182623.3(FAM131C):c.780G>A (p.Pro260=)

Genes: FAM131C (family with sequence similarity 131 member C; minus strand), LOC106501713 (CLCNKB recombination region; plus strand). Cytogenetic location: 1p36.13.
Variant type: single nucleotide variant.
Coding change: c.780G>A on transcript NM_182623.3 (MANE Select); coding-DNA position 780, G replaced by A.
Protein change: p.Pro260=; no amino-acid change (proline 260 retained).
Molecular consequence: synonymous variant.
Genome position (GRCh38, 1-based): chr1:16,058,500, C>T on the plus strand (G>A on the coding strand, the complement: FAM131C is on the minus strand). VCF-style: chr1-16058500-C-T. GRCh37 (hg19) VCF-style: chr1-16384995-C-T.
Identifiers: ClinVar variation 2638357 (VCV002638357.24), dbSNP rs777384624, ClinGen allele CA624264.
Genomic context (GRCh38, chr1:16,058,500, plus strand): 5'-GTTATAGAACACCTCGTCCTCCTCCCAGAGGGAGCCGCTGTCCATGGAGGGGAGGGAGCC[C>T]GGGGGGTGGGTCCCACCCTCGGGTCCTTGGGCCCCGGGCAGCCGCCGCCGATGCTGCAGC-3'
Protein context (NP_872429.2, residues 250-270): AQGPEGGTHP[Pro260=]GSLPSMDSGS

ClinVar aggregate classification (germline): Likely benign (1 of 4 stars; one submission).

Allele frequency attached by ClinVar (database versions not stated): gnomAD 0.00017; gnomAD exomes 0.00017; ExAC 0.00019; 1000 Genomes Project 30x 0.00172.
gnomAD v4.1: 255 of 1,509,530 alleles (0.017%); highest among the groups gnomAD compares: East Asian, 0.29%; no homozygotes.

Submission:

CeGaT Center for Human Genetics Tuebingen
Classification: Likely benign. Last evaluated: 2022-12-01. Review status: criteria provided, single submitter. Criteria: CeGaT Center For Human Genetics Tuebingen Variant Classification Criteria Version 2. Collection method: clinical testing. Allele origin: germline. Affected: yes. Observed: 1 variant allele.
Comment: FAM131C: BP4, BP7